The following is an entry in ClinVar:

NM_001113378.2(FANCI):c.2455A>G (p.Arg819Gly)

Gene: FANCI (FA complementation group I; plus strand). Cytogenetic location: 15q26.1.
Variant type: single nucleotide variant.
Coding change: c.2455A>G on transcript NM_001113378.2 (MANE Select); coding-DNA position 2455, A replaced by G.
Protein change: p.Arg819Gly; replaces arginine 819 with glycine.
Molecular consequence: missense variant.
Genome position (GRCh38, 1-based): chr15:89,293,996, A>G. VCF-style: chr15-89293996-A-G. GRCh37 (hg19) VCF-style: chr15-89837227-A-G.
Other names: c.2176A>G, p.Arg726Gly (NM_001376910.1); c.2455A>G, p.Arg819Gly (NM_001376911.1, NM_018193.3); short protein forms R819G, R726G.
Identifiers: ClinVar variation 570964 (VCV000570964.8), dbSNP rs370996106, ClinGen allele CA7723381.

ClinVar aggregate classification (germline): Uncertain significance (1 of 4 stars; one submission).

Conditions:
Fanconi anemia (FA). Also called: Fanconi's anemia. Identifiers: Orphanet 84, MedGen C0015625, MeSH D005199, MONDO:0019391.

Allele frequency attached by ClinVar (database versions not stated): gnomAD exomes below 0.00001; ExAC 0.00001; ESP Exome Variant Server 0.00008.

Submission:

Labcorp Genetics (formerly Invitae), Labcorp
Classification: Uncertain significance for Fanconi anemia. Last evaluated: 2022-06-04. Review status: criteria provided, single submitter. Criteria: Invitae Variant Classification Sherloc (09022015). Collection method: clinical testing. Allele origin: germline.
Comment: This sequence change replaces arginine, which is basic and polar, with glycine, which is neutral and non-polar, at codon 819 of the FANCI protein (p.Arg819Gly). This variant is present in population databases (rs370996106, gnomAD 0.007%). This variant has not been reported in the literature in individuals affected with FANCI-related conditions. ClinVar contains an entry for this variant (Variation ID: 570964). Algorithms developed to predict the effect of missense changes on protein structure and function (SIFT, PolyPhen-2, Align-GVGD) all suggest that this variant is likely to be tolerated. Algorithms developed to predict the effect of sequence changes on RNA splicing suggest that this variant may disrupt the consensus splice site. In summary, the available evidence is currently insufficient to determine the role of this variant in disease. Therefore, it has been classified as a Variant of Uncertain Significance.